The following is an entry in ClinVar:

ClinVar aggregate classification (germline): Benign/Likely benign. Review status: criteria provided, multiple submitters, no conflicts (2 of 4 stars). 2 submissions from 2 submitters: Benign (1); Likely benign (1). Last evaluated 2026-04-01.

Allele frequency attached by ClinVar (database versions not stated): gnomAD exomes 0.00001; TOPMed 0.00001; ExAC 0.00003.
gnomAD v4.1: 20 of 1,602,396 alleles (0.0012%); highest among the groups gnomAD compares: Admixed American, 0.0083%; no homozygotes.

Submissions (2):

CeGaT Center for Human Genetics Tuebingen
Classification: Likely benign. Last evaluated: 2026-04-01. Review status: criteria provided, single submitter. Criteria: CeGaT Center For Human Genetics Tuebingen Variant Classification Criteria Version 2. Collection method: clinical testing. Allele origin: germline. Affected: yes. Observed: 1 variant allele.
Comment: PACS2: BP4, BP7

Labcorp Genetics (formerly Invitae), Labcorp
Classification: Benign. Last evaluated: 2025-09-17. Review status: criteria provided, single submitter. Criteria: Invitae Variant Classification Sherloc (09022015). Collection method: clinical testing. Allele origin: germline.

NM_001100913.3(PACS2):c.1890G>A (p.Ala630=)

Gene: PACS2 (phosphofurin acidic cluster sorting protein 2; plus strand). Cytogenetic location: 14q32.33.
Variant type: single nucleotide variant.
Coding change: c.1890G>A on transcript NM_001100913.3 (MANE Select); coding-DNA position 1890, G replaced by A.
Protein change: p.Ala630=; no amino-acid change (alanine 630 retained).
Molecular consequence: synonymous variant.
Genome position (GRCh38, 1-based): chr14:105,384,462, G>A. VCF-style: chr14-105384462-G-A. GRCh37 (hg19) VCF-style: chr14-105850799-G-A.
Other names: c.1653G>A, p.Ala551= (NM_001243127.3); c.1878G>A, p.Ala626= (NM_015197.4).
Identifiers: ClinVar variation 2167644 (VCV002167644.6), dbSNP rs781959025, ClinGen allele CA7389030.